The following is an entry in ClinVar:

NM_000180.4(GUCY2D):c.1663T>C (p.Tyr555His)

Gene: GUCY2D (guanylate cyclase 2D, retinal; plus strand). Cytogenetic location: 17p13.1.
Variant type: single nucleotide variant.
Coding change: c.1663T>C on transcript NM_000180.4 (MANE Select); coding-DNA position 1663, T replaced by C.
Protein change: p.Tyr555His; replaces tyrosine 555 with histidine.
Molecular consequence: missense variant.
Genome position (GRCh38, 1-based): chr17:8,008,027, T>C. VCF-style: chr17-8008027-T-C. GRCh37 (hg19) VCF-style: chr17-7911345-T-C.
Other names: short protein forms Y555H.
Identifiers: ClinVar variation 4793903 (VCV004793903.1).
Genomic context (GRCh38, chr17:8,008,027, plus strand): 5'-AGCATGTCAGACATTCGCAGCGGCCCCAGCCAACACTTGGACAGCCCCAACATTGGTGTC[T>C]ATGAGGTGAGCCTGACCCCAGCCAGACAGAGAGACAGTGGGGGAAGAATGCTCAGGCCCT-3'
Protein context (NP_000171.1, residues 545-565): QHLDSPNIGV[Tyr555His]EGDRVWLKKF

ClinVar aggregate classification (germline): Uncertain significance (1 of 4 stars; one submission).

Conditions:
Leber congenital amaurosis 1 (LCA1). Also called: RETINAL BLINDNESS, CONGENITAL; Congenital absence of the rods and cones; Leber's congenital tapetoretinal degeneration; Leber's congenital tapetoretinal dysplasia; AMAUROSIS CONGENITA OF LEBER I. Identifiers: Orphanet 65, MedGen C2931258, MONDO:0008764, OMIM 204000.
Cone-rod dystrophy 6 (CORD6). Also called: RETINAL CONE DYSTROPHY 2; Cone dystrophy progressive. Identifiers: Orphanet 1872, MedGen C1866293, MONDO:0011143, OMIM 601777.

Submission:

Labcorp Genetics (formerly Invitae), Labcorp
Classification: Uncertain significance for Leber congenital amaurosis 1; Cone-rod dystrophy 6. Last evaluated: 2025-11-18. Review status: criteria provided, single submitter. Criteria: Invitae Variant Classification Sherloc (09022015). Collection method: clinical testing. Allele origin: germline.
Comment: This sequence change replaces tyrosine, which is neutral and polar, with histidine, which is basic and polar, at codon 555 of the GUCY2D protein (p.Tyr555His). This variant is not present in population databases (gnomAD no frequency). This variant has not been reported in the literature in individuals affected with GUCY2D-related conditions. Invitae Evidence Modeling of protein sequence and biophysical properties (such as structural, functional, and spatial information, amino acid conservation, physicochemical variation, residue mobility, and thermodynamic stability) indicates that this missense variant is not expected to disrupt GUCY2D protein function with a negative predictive value of 80%. In summary, the available evidence is currently insufficient to determine the role of this variant in disease. Therefore, it has been classified as a Variant of Uncertain Significance.